The following is an entry in ClinVar:

NM_000179.3(MSH6):c.403G>C (p.Asp135His)

Gene: MSH6 (mutS homolog 6; plus strand). Cytogenetic location: 2p16.3.
Variant type: single nucleotide variant.
Coding change: c.403G>C on transcript NM_000179.3 (MANE Select); coding-DNA position 403, G replaced by C.
Protein change: p.Asp135His; replaces aspartic acid 135 with histidine.
Molecular consequence: missense variant. On other transcripts: 5 prime UTR variant (2), intron variant (1).
Genome position (GRCh38, 1-based): chr2:47,791,069, G>C. VCF-style: chr2-47791069-G-C. GRCh37 (hg19) VCF-style: chr2-48018208-G-C.
Other names: c.-334G>C (NM_001281493.2); c.-500G>C (NM_001281494.2); c.238-7542G>C (NM_001281492.2); short protein forms D135H.
Identifiers: ClinVar variation 843454 (VCV000843454.10), dbSNP rs1668699343, ClinGen allele CA346737094.

ClinVar aggregate classification (germline): Uncertain significance (1 of 4 stars; one submission).

Conditions:
Hereditary nonpolyposis colorectal neoplasms. Identifiers: MedGen C0009405, MeSH D003123.

Submission:

Labcorp Genetics (formerly Invitae), Labcorp
Classification: Uncertain significance for Hereditary nonpolyposis colorectal neoplasms. Last evaluated: 2019-05-29. Review status: criteria provided, single submitter. Criteria: Invitae Variant Classification Sherloc (09022015). Collection method: clinical testing. Allele origin: germline.
Comment: In summary, the available evidence is currently insufficient to determine the role of this variant in disease. Therefore, it has been classified as a Variant of Uncertain Significance. Algorithms developed to predict the effect of missense changes on protein structure and function are either unavailable or do not agree on the potential impact of this missense change (SIFT: "Deleterious"; PolyPhen-2: "Probably Damaging"; Align-GVGD: "Class C0"). This variant has not been reported in the literature in individuals with MSH6-related conditions. This variant is not present in population databases (ExAC no frequency). This sequence change replaces aspartic acid with histidine at codon 135 of the MSH6 protein (p.Asp135His). The aspartic acid residue is highly conserved and there is a moderate physicochemical difference between aspartic acid and histidine.